The following is an entry in ClinVar:

ClinVar aggregate classification (germline): Uncertain significance (1 of 4 stars; one submission).

Conditions:
Intellectual disability, autosomal dominant 14 (CSS2). Also called: COFFIN-SIRIS SYNDROME 2. Identifiers: Orphanet 1465, MedGen C3553247, MONDO:0013819, OMIM 614607.

Submission:

Juno Genomics, Hangzhou Juno Genomics, Inc
Classification: Uncertain significance for Intellectual disability, autosomal dominant 14. Review status: criteria provided, single submitter. Criteria: ACMG Guidelines, 2015. Collection method: clinical testing. Allele origin: germline. Affected: yes.
Comment: Absent from controls (or at extremely low frequency if recessive) in Genome Aggregation Database, Exome Sequencing Project, 1000 Genomes Project, or Exome Aggregation Consortium.;Multiple lines of computational evidence support a deleterious effect on the gene or gene product (conservation, evolutionary, splicing impact, etc).

NM_006015.6(ARID1A):c.3185G>A (p.Gly1062Asp)

Gene: ARID1A (AT-rich interaction domain 1A; plus strand). Cytogenetic location: 1p36.11.
Variant type: single nucleotide variant.
Coding change: c.3185G>A on transcript NM_006015.6 (MANE Select); coding-DNA position 3185, G replaced by A.
Protein change: p.Gly1062Asp; replaces glycine 1062 with aspartic acid.
Molecular consequence: missense variant.
Genome position (GRCh38, 1-based): chr1:26,767,986, G>A. VCF-style: chr1-26767986-G-A. GRCh37 (hg19) VCF-style: chr1-27094477-G-A.
Other names: c.3185G>A, p.Gly1062Asp (NM_139135.4); short protein forms G1062D.
Identifiers: ClinVar variation 3383185 (VCV003383185.2).